The following is an entry in ClinVar:

NM_000126.4(ETFA):c.734-1822T>C

Gene: ETFA (electron transfer flavoprotein subunit alpha; minus strand). Cytogenetic location: 15q24.2.
Variant type: single nucleotide variant.
Coding change: c.734-1822T>C on transcript NM_000126.4 (MANE Select); 1822 bases into the intron before coding-DNA position 734, T replaced by C.
Molecular consequence: intron variant.
Genome position (GRCh38, 1-based): chr15:76,276,316, A>G on the plus strand (T>C on the coding strand, the complement: ETFA is on the minus strand). VCF-style: chr15-76276316-A-G. GRCh37 (hg19) VCF-style: chr15-76568657-A-G.
Other names: c.587-1822T>C (NM_001127716.2).
Identifiers: ClinVar variation 4891214 (VCV004891214.1).
Genomic context (GRCh38, chr15:76,276,316, plus strand): 5'-CTTTAAACATTTTACTACACTCTCTTCTGCTTGCATGGTTTCTGAAAAGAGATCAGATCT[A>G]ATTATTATCTTTGCTCTTGTACAGGTATGGTGGATTTTTTCCTCTGGCTTCAGTATTTGT-3'

ClinVar aggregate classification (germline): Uncertain significance (1 of 4 stars; one submission).

gnomAD v4.1: 61 of 152,114 alleles (0.04%); highest among the groups gnomAD compares: African/African-American, 0.14%; no homozygotes.

Submission:

Greenwood Genetic Center Diagnostic Laboratories, Greenwood Genetic Center
Classification: Uncertain significance. Last evaluated: 2026-04-13. Review status: criteria provided, single submitter. Criteria: ACMG Guidelines, 2015. Collection method: clinical testing. Allele origin: germline.
Comment: PM2, BP4